The following is an entry in ClinVar:

NM_020207.7(ERCC6L2):c.455T>G (p.Leu152Arg)

Gene: ERCC6L2 (ERCC excision repair 6 like 2; plus strand). Cytogenetic location: 9q22.32.
Variant type: single nucleotide variant.
Coding change: c.455T>G on transcript NM_020207.7 (MANE Select); coding-DNA position 455, T replaced by G.
Protein change: p.Leu152Arg; replaces leucine 152 with arginine.
Molecular consequence: missense variant. On other transcripts: non-coding transcript variant (1).
Genome position (GRCh38, 1-based): chr9:95,881,277, T>G. VCF-style: chr9-95881277-T-G. GRCh37 (hg19) VCF-style: chr9-98643559-T-G.
Other names: c.455T>G, p.Leu152Arg (NM_001375291.1, NM_001375292.1, NM_001375293.1 and 2 more transcripts); short protein forms L152R.
Identifiers: ClinVar variation 3649974 (VCV003649974.2).

ClinVar aggregate classification (germline): Uncertain significance (1 of 4 stars; one submission).

Submission:

Labcorp Genetics (formerly Invitae), Labcorp
Classification: Uncertain significance. Last evaluated: 2024-04-15. Review status: criteria provided, single submitter. Criteria: Invitae Variant Classification Sherloc (09022015). Collection method: clinical testing. Allele origin: germline.
Comment: This sequence change replaces leucine, which is neutral and non-polar, with arginine, which is basic and polar, at codon 163 of the ERCC6L2 protein (p.Leu163Arg). This variant is not present in population databases (gnomAD no frequency). This variant has not been reported in the literature in individuals affected with ERCC6L2-related conditions. Experimental studies and prediction algorithms are not available or were not evaluated, and the functional significance of this variant is currently unknown. In summary, the available evidence is currently insufficient to determine the role of this variant in disease. Therefore, it has been classified as a Variant of Uncertain Significance.